The following is an entry in ClinVar:

ClinVar aggregate classification (germline): Uncertain significance (1 of 4 stars; one submission).

Allele frequency attached by ClinVar (database versions not stated): ExAC 0.00002.
gnomAD v4.1: 3 of 1,612,382 alleles (0.00019%); highest among the groups gnomAD compares: South Asian, 0.0022%; no homozygotes.

Submission:

Labcorp Genetics (formerly Invitae), Labcorp
Classification: Uncertain significance. Last evaluated: 2023-11-07. Review status: criteria provided, single submitter. Criteria: Invitae Variant Classification Sherloc (09022015). Collection method: clinical testing. Allele origin: germline.
Comment: This sequence change replaces glycine, which is neutral and non-polar, with tryptophan, which is neutral and slightly polar, at codon 1438 of the RAI1 protein (p.Gly1438Trp). This variant is present in population databases (rs769075860, gnomAD 0.003%). This variant has not been reported in the literature in individuals affected with RAI1-related conditions. Advanced modeling of protein sequence and biophysical properties (such as structural, functional, and spatial information, amino acid conservation, physicochemical variation, residue mobility, and thermodynamic stability) performed at Invitae indicates that this missense variant is not expected to disrupt RAI1 protein function with a negative predictive value of 80%. In summary, the available evidence is currently insufficient to determine the role of this variant in disease. Therefore, it has been classified as a Variant of Uncertain Significance.

NM_030665.4(RAI1):c.4312G>T (p.Gly1438Trp)

Gene: RAI1 (retinoic acid induced 1; plus strand). Cytogenetic location: 17p11.2.
Variant type: single nucleotide variant.
Coding change: c.4312G>T on transcript NM_030665.4 (MANE Select); coding-DNA position 4312, G replaced by T.
Protein change: p.Gly1438Trp; replaces glycine 1438 with tryptophan.
Molecular consequence: missense variant.
Genome position (GRCh38, 1-based): chr17:17,797,260, G>T. VCF-style: chr17-17797260-G-T. GRCh37 (hg19) VCF-style: chr17-17700574-G-T.
Other names: short protein forms G1438W.
Identifiers: ClinVar variation 2693954 (VCV002693954.3), dbSNP rs769075860, ClinGen allele CA8418932.